The following is an entry in ClinVar:

NM_004655.4(AXIN2):c.1104C>T (p.Ala368=)

Gene: AXIN2 (axin 2; minus strand). Cytogenetic location: 17q24.1.
Variant type: single nucleotide variant.
Coding change: c.1104C>T on transcript NM_004655.4 (MANE Select); coding-DNA position 1104, C replaced by T.
Protein change: p.Ala368=; no amino-acid change (alanine 368 retained).
Molecular consequence: synonymous variant.
Genome position (GRCh38, 1-based): chr17:65,538,299, G>A on the plus strand (C>T on the coding strand, the complement: AXIN2 is on the minus strand). VCF-style: chr17-65538299-G-A. GRCh37 (hg19) VCF-style: chr17-63534417-G-A.
Other names: c.1104C>T, p.Ala368= (NM_001363813.1).
Identifiers: ClinVar variation 1131478 (VCV001131478.12), dbSNP rs2144477944, ClinGen allele CA501476368.

ClinVar aggregate classification (germline): Benign/Likely benign. Review status: criteria provided, multiple submitters, no conflicts (2 of 4 stars). 3 submissions from 3 submitters: Benign (1); Likely benign (2). Last evaluated 2024-07-29.

Conditions:
Hereditary cancer-predisposing syndrome. Also called: Neoplastic Syndromes, Hereditary; Hereditary Cancer Syndrome; Tumor predisposition; Hereditary neoplastic syndrome. Identifiers: Orphanet 140162, MedGen C0027672, MeSH D009386, MONDO:0015356.
Oligodontia-cancer predisposition syndrome. Also called: TOOTH AGENESIS-COLORECTAL CANCER SYNDROME. Identifiers: Orphanet 300576, MedGen C1837750, MONDO:0012075, OMIM 608615. Disease mechanism: loss of function.

gnomAD v4.1: 1 of 1,614,214 alleles (0.000062%); highest among the groups gnomAD compares: Non-Finnish European, 0.000085%; no homozygotes.

Submissions (3):

Labcorp Genetics (formerly Invitae), Labcorp
Classification: Likely benign for Oligodontia-cancer predisposition syndrome. Last evaluated: 2024-07-29. Review status: criteria provided, single submitter. Criteria: Invitae Variant Classification Sherloc (09022015). Collection method: clinical testing. Allele origin: germline.

Myriad Genetics, Inc.
Classification: Benign for Oligodontia-cancer predisposition syndrome. Last evaluated: 2024-07-01. Review status: criteria provided, single submitter. Criteria: Myriad Autosomal Dominant, Autosomal Recessive and X-Linked Classification Criteria (2023). Collection method: clinical testing. Allele origin: unknown.
Comment: This variant is considered benign. This variant is a silent/synonymous amino acid change and it is not expected to impact splicing.

Ambry Genetics
Classification: Likely benign for Hereditary cancer-predisposing syndrome. Last evaluated: 2020-03-16. Review status: criteria provided, single submitter. Criteria: Ambry Variant Classification Scheme 2023. Collection method: clinical testing. Allele origin: germline.